The following is an entry in ClinVar:

NM_004621.6(TRPC6):c.1359del (p.Leu454fs)

Gene: TRPC6 (transient receptor potential cation channel subfamily C member 6; minus strand). Cytogenetic location: 11q22.1.
Variant type: Deletion.
Coding change: c.1359del on transcript NM_004621.6 (MANE Select); coding-DNA position 1359, one base deleted (T; older notation c.1359delT).
Protein change: p.Leu454fs; shifts the reading frame from leucine 454.
Molecular consequence: frameshift variant.
Genome position (GRCh38, 1-based): chr11:101,483,100, A deleted on the plus strand (T on the coding strand, the reverse complement: TRPC6 is on the minus strand); the first of 5 consecutive A bases (chr11:101,483,100-101,483,104); deleting any one gives the same sequence. VCF-style (leftmost placement, unchanged base first): chr11-101483099-GA-G. GRCh37 (hg19) VCF-style: chr11-101353830-GA-G.
Other names: c.1359delT (NM_004621.6); c.1011del, p.Leu338fs (NM_001439335.1); short protein forms L338fs, L454fs.
Identifiers: ClinVar variation 4856419 (VCV004856419.1).

ClinVar aggregate classification (germline): Likely pathogenic (1 of 4 stars; one submission).

Conditions:
Focal segmental glomerulosclerosis 2 (FSGS2). Identifiers: Orphanet 656, MedGen C1858915, MONDO:0011390, OMIM 603965.

Submission:

Molecular Lab, University of Sulaimaniyah
Classification: Likely pathogenic for Focal segmental glomerulosclerosis 2. Last evaluated: 2026-04-06. Review status: criteria provided, single submitter. Criteria: ACMG Guidelines, 2015. Collection method: research. Allele origin: germline. Inheritance: Autosomal dominant inheritance. Affected: yes. Observed: 1 variant allele, 1 homozygote.
Comment: This variant was classified using the ACMG/AMP 2015 framework (PMID:25741868). PVS1 was applied because TRPC6 c.1359delT is predicted to cause a frameshift and premature termination. PM2 was considered because the variant is absent or rare in population databases. PP4 was used as supporting case-level evidence because the variant was observed in an affected individual from a biopsy-proven focal segmental glomerulosclerosis cohort. As internal case-level support, the variant was observed in 1 affected individual(s) among 35 individuals tested, including 1 single heterozygote. No functional assay evidence is submitted. Overall, the submitted evidence supported a Likely pathogenic classification.